The following is an entry in ClinVar:

ClinVar aggregate classification (germline): Pathogenic. Review status: criteria provided, multiple submitters, no conflicts (2 of 4 stars). 2 submissions from 2 submitters: Pathogenic (2). Last evaluated 2018-05-02.

Conditions:
Hereditary nonpolyposis colorectal neoplasms. Identifiers: MedGen C0009405, MeSH D003123.
Hereditary cancer-predisposing syndrome. Also called: Neoplastic Syndromes, Hereditary; Hereditary neoplastic syndrome; Tumor predisposition; Hereditary Cancer Syndrome. Identifiers: Orphanet 140162, MedGen C0027672, MeSH D009386, MONDO:0015356.

Allele frequency attached by ClinVar (database versions not stated): gnomAD 0.00001.
gnomAD v4.1: 1 of 1,613,924 alleles (0.000062%); highest among the groups gnomAD compares: African/African-American, 0.0013%; no homozygotes.

Submissions (2):

Ambry Genetics
Classification: Pathogenic for Hereditary cancer-predisposing syndrome. Last evaluated: 2018-05-02. Review status: criteria provided, single submitter. Criteria: Ambry Variant Classification Scheme 2023. Collection method: clinical testing. Allele origin: germline.
Comment: The p.E531* pathogenic mutation (also known as c.1591G>T), located in coding exon 11 of the PMS2 gene, results from a G to T substitution at nucleotide position 1591. This changes the amino acid from a glutamic acid to a stop codon within coding exon 11. This alteration is expected to result in loss of function by premature protein truncation or nonsense-mediated mRNA decay. As such, this alteration is interpreted as a disease-causing mutation.

Labcorp Genetics (formerly Invitae), Labcorp
Classification: Pathogenic for Hereditary nonpolyposis colorectal neoplasms. Last evaluated: 2016-02-13. Review status: criteria provided, single submitter. Criteria: Invitae Variant Classification Sherloc (09022015). Collection method: clinical testing. Allele origin: germline.
Comment: For these reasons, this variant has been classified as Pathogenic. While this particular variant has not been reported in the literature, truncating variants in PMS2 are known to be pathogenic (PMID: 21376568, 24362816). This sequence change creates a premature translational stop signal at codon 531 (p.Glu531*) of the PMS2 gene. It is expected to result in an absent or disrupted protein product.

Literature cited by the submitters: PubMed 21376568 (cited by Labcorp Genetics (formerly Invitae), Labcorp); PubMed 24362816 (cited by Labcorp Genetics (formerly Invitae), Labcorp).

NM_000535.7(PMS2):c.1591G>T (p.Glu531Ter)

Gene: PMS2 (PMS1 homolog 2, mismatch repair system component; minus strand). Cytogenetic location: 7p22.1.
Variant type: single nucleotide variant.
Coding change: c.1591G>T on transcript NM_000535.7 (MANE Select); coding-DNA position 1591, G replaced by T.
Protein change: p.Glu531Ter; replaces glutamic acid 531 with a stop codon.
Molecular consequence: nonsense. On other transcripts: non-coding transcript variant (1).
Genome position (GRCh38, 1-based): chr7:5,987,174, C>A on the plus strand (G>T on the coding strand, the complement: PMS2 is on the minus strand). VCF-style: chr7-5987174-C-A. GRCh37 (hg19) VCF-style: chr7-6026805-C-A.
Other names: c.1186G>T, p.Glu396Ter (NM_001322003.2, NM_001322004.2, NM_001322005.2 and 1 more transcripts); c.1435G>T, p.Glu479Ter (NM_001322006.2); c.1273G>T, p.Glu425Ter (NM_001322007.2, NM_001322008.2); c.1030G>T, p.Glu344Ter (NM_001322010.2); c.658G>T, p.Glu220Ter (NM_001322011.2, NM_001322012.2); c.1018G>T, p.Glu340Ter (NM_001322013.2); c.1591G>T, p.Glu531Ter (NM_001322014.2); c.1282G>T, p.Glu428Ter (NM_001322015.2); short protein forms E531*, E220*, E428*, E340*, E396*, E425*, E479*, E344*.
Identifiers: ClinVar variation 237890 (VCV000237890.12), dbSNP rs878854037, ClinGen allele CA10582507.
Genomic context (GRCh38, chr7:5,987,174, plus strand): 5'-AGTCCACATCTGAAAAAGAGTCGTCAGTTTTAGGCGCTTTCTCCTGAGAGTCCACATGTT[C>A]CTGCGAGCCCCTGTCCCCTGGGGAGCTGGCCGCATACTCGCTGCTGCAGTGACTGCCCGT-3'